The following is an entry in ClinVar:

ClinVar aggregate classification (germline): Uncertain significance (1 of 4 stars; one submission).

gnomAD v4.1: 22 of 1,609,748 alleles (0.0014%); highest among the groups gnomAD compares: Admixed American, 0.037%; no homozygotes.

Submission:

Women's Health and Genetics/Laboratory Corporation of America, LabCorp
Classification: Uncertain significance. Last evaluated: 2026-01-06. Review status: criteria provided, single submitter. Criteria: LabCorp Variant Classification Summary - May 2015. Collection method: clinical testing. Allele origin: germline.
Comment: Variant summary: BRAT1 c.2335C>G (p.Leu779Val) results in a conservative amino acid change in the encoded protein sequence. Algorithms developed to predict the effect of missense changes on protein structure and function all suggest that this variant is likely to be tolerated. The variant allele was found at a frequency of 2.1e-05 in 242402 control chromosomes. The available data on variant occurrences in the general population are insufficient to allow any conclusion about variant significance. To our knowledge, no occurrence of c.2335C>G in individuals affected with BRAT1-related conditions and no experimental evidence demonstrating its impact on protein function have been reported. No submitters have cited clinical-significance assessments for this variant to ClinVar. Based on the evidence outlined above, the variant was classified as uncertain significance.

NM_152743.4(BRAT1):c.2335C>G (p.Leu779Val)

Gene: BRAT1 (BRCA1 associated ATM activator 1; minus strand). Cytogenetic location: 7p22.3.
Variant type: single nucleotide variant.
Coding change: c.2335C>G on transcript NM_152743.4 (MANE Select); coding-DNA position 2335, C replaced by G.
Protein change: p.Leu779Val; replaces leucine 779 with valine.
Molecular consequence: missense variant. On other transcripts: non-coding transcript variant (1).
Genome position (GRCh38, 1-based): chr7:2,538,200, G>C on the plus strand (C>G on the coding strand, the complement: BRAT1 is on the minus strand). VCF-style: chr7-2538200-G-C. GRCh37 (hg19) VCF-style: chr7-2577834-G-C.
Other names: c.2515C>G, p.Leu839Val (NM_001350626.2); c.1810C>G, p.Leu604Val (NM_001350627.2); short protein forms L604V, L779V, L839V.
Identifiers: ClinVar variation 4689617 (VCV004689617.1).